The following is an entry in ClinVar:

ClinVar aggregate classification (germline): Uncertain significance (1 of 4 stars; one submission).

Conditions:
Familial adenomatous polyposis 1 (FAP1). Also called: FAMILIAL ADENOMATOUS POLYPOSIS 1, ATTENUATED; POLYPOSIS, ADENOMATOUS INTESTINAL. Identifiers: MedGen C2713442, MONDO:0021056, OMIM 175100. Disease mechanism: loss of function.

Submission:

Labcorp Genetics (formerly Invitae), Labcorp
Classification: Uncertain significance for Familial adenomatous polyposis 1. Last evaluated: 2025-06-01. Review status: criteria provided, single submitter. Criteria: Invitae Variant Classification Sherloc (09022015). Collection method: clinical testing. Allele origin: germline.
Comment: This variant occurs in a non-coding region of the APC gene. It does not change the encoded amino acid sequence of the APC protein. This variant is not present in population databases (gnomAD no frequency). This variant has not been reported in the literature in individuals affected with APC-related conditions. ClinVar contains an entry for this variant (Variation ID: 469895). Experimental studies and prediction algorithms are not available or were not evaluated, and the functional significance of this variant is currently unknown. In summary, the available evidence is currently insufficient to determine the role of this variant in disease. Therefore, it has been classified as a Variant of Uncertain Significance.

NC_000005.10:g.112707365C>T

Gene: APC (APC regulator of Wnt signaling pathway; plus strand). Cytogenetic location: 5q22.2.
Variant type: single nucleotide variant.
Genome position: GRCh38 VCF-style: chr5-112707365-C-T. GRCh37 (hg19) VCF-style: chr5-112043062-C-T.
Identifiers: ClinVar variation 469895 (VCV000469895.7), dbSNP rs1554060114, ClinGen allele CA658655868.